The following is an entry in ClinVar:

ClinVar aggregate classification (germline): Uncertain significance (1 of 4 stars; one submission).

Conditions:
Cutis laxa, X-linked (OHS). Also called: EDS IX; Occipital horn syndrome. Identifiers: Orphanet 198, MedGen C0268353, MONDO:0010572, OMIM 304150.
X-linked distal spinal muscular atrophy type 3. Also called: ATP7A-Related Distal Motor Neuropathy; SPINAL MUSCULAR ATROPHY, DISTAL, X-LINKED RECESSIVE; NEURONOPATHY, DISTAL HEREDITARY MOTOR, X-LINKED; NEUROPATHY, DISTAL HEREDITARY MOTOR, X-LINKED. Identifiers: Orphanet 139557, MedGen C1845359, MONDO:0010338, OMIM 300489.
Menkes kinky-hair syndrome (MNK). Also called: Classic Menkes Disease; Copper transport disease; Menkes Disease. Identifiers: Orphanet 565, MedGen C0022716, MONDO:0010651, OMIM 309400.

Submission:

Labcorp Genetics (formerly Invitae), Labcorp
Classification: Uncertain significance for X-linked distal spinal muscular atrophy type 3; Cutis laxa, X-linked; Menkes kinky-hair syndrome. Last evaluated: 2022-09-01. Review status: criteria provided, single submitter. Criteria: Invitae Variant Classification Sherloc (09022015). Collection method: clinical testing. Allele origin: germline.
Comment: In summary, the available evidence is currently insufficient to determine the role of this variant in disease. Therefore, it has been classified as a Variant of Uncertain Significance. Algorithms developed to predict the effect of missense changes on protein structure and function are either unavailable or do not agree on the potential impact of this missense change (SIFT: "Tolerated"; PolyPhen-2: "Probably Damaging"; Align-GVGD: "Class C0"). ClinVar contains an entry for this variant (Variation ID: 1499483). This variant has not been reported in the literature in individuals affected with ATP7A-related conditions. This variant is not present in population databases (gnomAD no frequency). This sequence change replaces valine, which is neutral and non-polar, with alanine, which is neutral and non-polar, at codon 1342 of the ATP7A protein (p.Val1342Ala).

NM_000052.7(ATP7A):c.4025T>C (p.Val1342Ala)

Gene: ATP7A (ATPase copper transporting alpha; plus strand). Cytogenetic location: Xq21.1.
Variant type: single nucleotide variant.
Coding change: c.4025T>C on transcript NM_000052.7 (MANE Select); coding-DNA position 4025, T replaced by C.
Protein change: p.Val1342Ala; replaces valine 1342 with alanine.
Molecular consequence: missense variant. On other transcripts: non-coding transcript variant (1).
Genome position (GRCh38, 1-based): chrX:78,043,336, T>C. VCF-style: chrX-78043336-T-C. GRCh37 (hg19) VCF-style: chrX-77298834-T-C.
Other names: c.3791T>C, p.Val1264Ala (NM_001282224.2); short protein forms V1342A, V1264A.
Identifiers: ClinVar variation 1499483 (VCV001499483.6), dbSNP rs2149112223, ClinGen allele CA413605502.